The following is an entry in ClinVar:

ClinVar aggregate classification (germline): Uncertain significance. Review status: criteria provided, multiple submitters, no conflicts (2 of 4 stars). 2 submissions from 2 submitters: Uncertain significance (2). Last evaluated 2025-05-01.

Conditions:
Hereditary cancer-predisposing syndrome. Also called: Neoplastic Syndromes, Hereditary; Hereditary Cancer Syndrome; Tumor predisposition; Hereditary neoplastic syndrome. Identifiers: Orphanet 140162, MedGen C0027672, MeSH D009386, MONDO:0015356.

Allele frequency attached by ClinVar (database versions not stated): gnomAD 0.00001.
gnomAD v4.1: 2 of 1,614,058 alleles (0.00012%); highest among the groups gnomAD compares: East Asian, 0.0045%; no homozygotes.

Submissions (2):

Ambry Genetics
Classification: Uncertain significance for Hereditary cancer-predisposing syndrome. Last evaluated: 2025-05-01. Review status: criteria provided, single submitter. Criteria: Ambry Variant Classification Scheme 2023. Collection method: clinical testing. Allele origin: germline.
Comment: The p.L538V variant (also known as c.1612C>G), located in coding exon 11 of the CTNNA1 gene, results from a C to G substitution at nucleotide position 1612. The leucine at codon 538 is replaced by valine, an amino acid with highly similar properties. This amino acid position is highly conserved in available vertebrate species. In addition, the in silico prediction for this alteration is inconclusive. Based on the available evidence, the clinical significance of this variant remains unclear.

Labcorp Genetics (formerly Invitae), Labcorp
Classification: Uncertain significance. Last evaluated: 2023-09-25. Review status: criteria provided, single submitter. Criteria: Invitae Variant Classification Sherloc (09022015). Collection method: clinical testing. Allele origin: germline.
Comment: This variant is present in population databases (no rsID available, gnomAD 0.1%). In summary, the available evidence is currently insufficient to determine the role of this variant in disease. Therefore, it has been classified as a Variant of Uncertain Significance. Advanced modeling of protein sequence and biophysical properties (such as structural, functional, and spatial information, amino acid conservation, physicochemical variation, residue mobility, and thermodynamic stability) performed at Invitae indicates that this missense variant is not expected to disrupt CTNNA1 protein function. ClinVar contains an entry for this variant (Variation ID: 945588). This missense change has been observed in individual(s) with breast cancer and/or gastric cancer (PMID: 32051609). This sequence change replaces leucine, which is neutral and non-polar, with valine, which is neutral and non-polar, at codon 538 of the CTNNA1 protein (p.Leu538Val).

Literature cited by the submitters: PubMed 32051609 (cited by Labcorp Genetics (formerly Invitae), Labcorp).

NM_001903.5(CTNNA1):c.1612C>G (p.Leu538Val)

Gene: CTNNA1 (catenin alpha 1; plus strand). Cytogenetic location: 5q31.2.
Variant type: single nucleotide variant.
Coding change: c.1612C>G on transcript NM_001903.5 (MANE Select); coding-DNA position 1612, C replaced by G.
Protein change: p.Leu538Val; replaces leucine 538 with valine.
Molecular consequence: missense variant.
Genome position (GRCh38, 1-based): chr5:138,924,575, C>G. VCF-style: chr5-138924575-C-G. GRCh37 (hg19) VCF-style: chr5-138260264-C-G.
Other names: c.1612C>G, p.Leu538Val (NM_001290307.3, NM_001323982.2, NM_001323983.1 and 2 more transcripts); c.1303C>G, p.Leu435Val (NM_001290309.3); c.1243C>G, p.Leu415Val (NM_001290310.3); c.502C>G, p.Leu168Val (NM_001290312.1, NM_001323987.1, NM_001323988.1 and 17 more transcripts); c.1519C>G, p.Leu507Val (NM_001323986.2); c.163C>G, p.Leu55Val (NM_001324006.1, NM_001324007.1, NM_001324008.1 and 2 more transcripts); c.409C>G, p.Leu137Val (NM_001324011.1); c.259C>G, p.Leu87Val (NM_001324012.1, NM_001324013.1); and 1 more; short protein forms L137V, L415V, L538V, L435V, L55V, L87V, L507V, L168V.
Identifiers: ClinVar variation 945588 (VCV000945588.8), dbSNP rs1302005886, ClinGen allele CA361131824.
Genomic context (GRCh38, chr5:138,924,575, plus strand): 5'-CACATTTTGGAAGATGTGAACAAATGTGTCATTGCTCTCCAAGAGAAGGATGTGGATGGC[C>G]TGGACCGCACAGCTGGTGCAATTCGAGGCCGGGCAGCCCGGGTCATTCACGTAGTCACCT-3'
Protein context (NP_001894.2, residues 528-548): IALQEKDVDG[Leu538Val]DRTAGAIRGR